The following is an entry in ClinVar:

NM_153252.5(BRWD3):c.4945A>G (p.Arg1649Gly)

Gene: BRWD3 (bromodomain and WD repeat domain containing 3; minus strand). Cytogenetic location: Xq21.1.
Variant type: single nucleotide variant.
Coding change: c.4945A>G on transcript NM_153252.5 (MANE Select); coding-DNA position 4945, A replaced by G.
Protein change: p.Arg1649Gly; replaces arginine 1649 with glycine.
Molecular consequence: missense variant.
Genome position (GRCh38, 1-based): chrX:80,677,073, T>C on the plus strand (A>G on the coding strand, the complement: BRWD3 is on the minus strand). VCF-style: chrX-80677073-T-C. GRCh37 (hg19) VCF-style: chrX-79932572-T-C.
Other names: c.4795A>G, p.Arg1599Gly (NM_001441339.1); short protein forms R1599G, R1649G.
Identifiers: ClinVar variation 4882381 (VCV004882381.2).

ClinVar aggregate classification (germline): Uncertain significance (1 of 4 stars; one submission).

gnomAD v4.1: 4 of 1,211,711 alleles (0.00033%); highest among the groups gnomAD compares: Non-Finnish European, 0.00045%; no homozygotes.

Submission:

Dasa
Classification: Uncertain significance. Last evaluated: 2025-04-20. Review status: criteria provided, single submitter. Criteria: DASA Assertion Criteria. Collection method: clinical testing. Allele origin: germline.
Comment: NM_153252.5(BRWD3):c.4945A>G (p.Arg1649Gly) is a missense variant that results in the substitution of arginine with glycine. This variant is rare in population databases. Computational prediction algorithms are consistent with a benign effect. The currently available literature and clinical evidence are not sufficient to establish a definitive association between this variant and the reported condition. Therefore, this variant is classified as a variant of uncertain significance.